The following is an entry in ClinVar:

NM_138927.4(SON):c.4378G>C (p.Val1460Leu)

Gene: SON (SON DNA and RNA binding protein; plus strand). Cytogenetic location: 21q22.11.
Variant type: single nucleotide variant.
Coding change: c.4378G>C on transcript NM_138927.4 (MANE Select); coding-DNA position 4378, G replaced by C.
Protein change: p.Val1460Leu; replaces valine 1460 with leucine.
Molecular consequence: missense variant. On other transcripts: non-coding transcript variant (1), intron variant (1).
Genome position (GRCh38, 1-based): chr21:33,553,609, G>C. VCF-style: chr21-33553609-G-C. GRCh37 (hg19) VCF-style: chr21-34925915-G-C.
Other names: c.4378G>C, p.Val1460Leu (NM_001291411.2, NM_001412133.1, NM_032195.3 and 2 more transcripts); c.245-3547G>C (NM_001291412.3); short protein forms V1460L.
Identifiers: ClinVar variation 2873458 (VCV002873458.3), dbSNP rs2517380693, ClinGen allele CA410162495.

ClinVar aggregate classification (germline): Uncertain significance (1 of 4 stars; one submission).

gnomAD v4.1: 4 of 1,613,964 alleles (0.00025%); highest among the groups gnomAD compares: Non-Finnish European, 0.00034%; no homozygotes.

Submission:

Labcorp Genetics (formerly Invitae), Labcorp
Classification: Uncertain significance. Last evaluated: 2023-03-20. Review status: criteria provided, single submitter. Criteria: Invitae Variant Classification Sherloc (09022015). Collection method: clinical testing. Allele origin: germline.
Comment: This sequence change replaces valine, which is neutral and non-polar, with leucine, which is neutral and non-polar, at codon 1460 of the SON protein (p.Val1460Leu). This variant is not present in population databases (gnomAD no frequency). This variant has not been reported in the literature in individuals affected with SON-related conditions. An algorithm developed to predict the effect of missense changes on protein structure and function (PolyPhen-2) suggests that this variant is likely to be disruptive. In summary, the available evidence is currently insufficient to determine the role of this variant in disease. Therefore, it has been classified as a Variant of Uncertain Significance.